The following is an entry in ClinVar:

NM_007294.4(BRCA1):c.5153-14T>G

Gene: BRCA1 (BRCA1 DNA repair associated; minus strand). Cytogenetic location: 17q21.31.
Variant type: single nucleotide variant.
Coding change: c.5153-14T>G on transcript NM_007294.4 (MANE Select); 14 bases into the intron before coding-DNA position 5153, T replaced by G.
Molecular consequence: intron variant.
Genome position (GRCh38, 1-based): chr17:43,063,387, A>C on the plus strand (T>G on the coding strand, the complement: BRCA1 is on the minus strand). VCF-style: chr17-43063387-A-C. GRCh37 (hg19) VCF-style: chr17-41215404-A-C.
Other names: c.1700-14T>G (NM_001408458.1, NM_001408461.1, NM_001408464.1 and 7 more transcripts); c.4262-14T>G (NM_001407967.1); c.4772-14T>G (NM_001407959.1); c.4886-14T>G (NM_001407931.1, NM_001407932.1, NM_001407928.1 and 4 more transcripts); c.5009-14T>G (NM_001407747.1, NM_001407745.1, NM_001407737.1 and 21 more transcripts); c.4769-14T>G (NM_001407962.1, NM_001407960.1); c.1340-14T>G (NM_001408512.1); c.1463-14T>G (NM_001408510.1); and 72 more.
Identifiers: ClinVar variation 868748 (VCV000868748.3), dbSNP rs2051875817, ClinGen allele CA916080069.

Conditions:
Breast-ovarian cancer, familial, susceptibility to, 1 (BROVCA1). Also called: BRCA1 Hereditary Breast and Ovarian Cancer; OVARIAN CANCER, SUSCEPTIBILITY TO. Identifiers: Orphanet 145, MedGen C2676676, MONDO:0011450, OMIM 604370. Disease mechanism: loss of function.

Submission:

Brotman Baty Institute, University of Washington
No classification provided (evidence only). Condition: Breast-ovarian cancer, familial 1. Review status: no classification provided. Collection method: in vitro. Allele origin: not applicable. Functional consequence: functionally_normal.
ClinVar note: "not provided" was previously submitted as the classification for the variant. However, the classification appeared to be based only on an observation of functional data so it was converted to no classification on 2025-07-30.